The following is an entry in ClinVar:

NM_001042492.3(NF1):c.224_231del (p.Ala75fs)

Gene: NF1 (neurofibromin 1; plus strand). Cytogenetic location: 17q11.2.
Variant type: Deletion.
Coding change: c.224_231del on transcript NM_001042492.3 (MANE Select); coding-DNA positions 224 to 231, 8 bases deleted (CTGAAAAA; older notation c.224_231delCTGAAAAA).
Protein change: p.Ala75fs; shifts the reading frame from alanine 75.
Molecular consequence: frameshift variant.
Genome position (GRCh38, 1-based): chr17:31,159,029-31,159,036, CTGAAAAA deleted. VCF-style (leftmost placement, unchanged base first): chr17-31159028-GCTGAAAAA-G. GRCh37 (hg19) VCF-style: chr17-29486046-GCTGAAAAA-G.
Other names: c.224_231del, p.Ala75fs (NM_000267.4, NM_001128147.3); short protein forms A75fs.
Identifiers: ClinVar variation 4729535 (VCV004729535.1).

ClinVar aggregate classification (germline): Pathogenic (1 of 4 stars; one submission).

Conditions:
Neurofibromatosis, type 1 (NF1). Also called: VON RECKLINGHAUSEN DISEASE; Peripheral type neurofibromatosis; NEUROFIBROMATOSIS, TYPE I, SOMATIC; Neurofibromatosis, type I. Identifiers: Orphanet 636, MedGen C0027831, MONDO:0018975, OMIM 162200. Disease mechanism: loss of function.

Submission:

Labcorp Genetics (formerly Invitae), Labcorp
Classification: Pathogenic for Neurofibromatosis, type 1. Last evaluated: 2025-10-20. Review status: criteria provided, single submitter. Criteria: Invitae Variant Classification Sherloc (09022015). Collection method: clinical testing. Allele origin: germline.
Comment: This sequence change creates a premature translational stop signal (p.Ala75Glufs*29) in the NF1 gene. It is expected to result in an absent or disrupted protein product. Loss-of-function variants in NF1 are known to be pathogenic (PMID: 10712197, 23913538). This variant is not present in population databases (gnomAD no frequency). This variant has not been reported in the literature in individuals affected with NF1-related conditions. For these reasons, this variant has been classified as Pathogenic.

Literature cited by the submitters: PubMed 10712197; PubMed 23913538.